The following is an entry in ClinVar:

ClinVar aggregate classification (germline): Conflicting classifications of pathogenicity. Review status: criteria provided, conflicting classifications (1 of 4 stars). 2 submissions from 2 submitters: Likely pathogenic (1); Uncertain significance (1). Last evaluated 2021-11-16.

Conditions:
Multiple congenital exostosis (EXT). Also called: MULTIPLE CARTILAGINOUS EXOSTOSES; Multiple exostoses; Hereditary multiple exostoses; Hereditary multiple exostosis; Multiple osteochondromas; Hereditary multiple osteochondromas. Identifiers: Orphanet 321, MedGen C0015306, MONDO:0005508, HP:0002762.

Submissions (2):

Service de Biochimie Médicale et Biologie Moléculaire, CHU Clermont-Ferrand
Classification: Likely pathogenic for Exostoses, multiple, type 1. Last evaluated: 2021-11-16. Review status: criteria provided, single submitter. Criteria: ACMG Guidelines, 2015. Collection method: clinical testing. Allele origin: de novo. Inheritance: Sporadic. Affected: yes.
Comment: PM2 + PS2 (+/- PM4)

Labcorp Genetics (formerly Invitae), Labcorp
Classification: Uncertain significance for Multiple congenital exostosis. Last evaluated: 2019-05-08. Review status: criteria provided, single submitter. Criteria: Invitae Variant Classification Sherloc (09022015). Collection method: clinical testing. Allele origin: germline.
Comment: This variant, c.568_570del, results in the deletion of 1 amino acid of the EXT1 protein (p.His190del) but otherwise preserves the integrity of the reading frame. This variant is not present in population databases (ExAC no frequency). This variant has not been reported in the literature in individuals with EXT1-related conditions. Experimental studies and prediction algorithms are not available for this variant, and the functional significance of the affected amino acid is currently unknown. In summary, the available evidence is currently insufficient to determine the role of this variant in disease. Therefore, it has been classified as a Variant of Uncertain Significance.

NM_000127.3(EXT1):c.568_570del (p.His190del)

Gene: EXT1 (exostosin glycosyltransferase 1; minus strand). Cytogenetic location: 8q24.11.
Variant type: Deletion.
Coding change: c.568_570del on transcript NM_000127.3 (MANE Select); coding-DNA positions 568 to 570, 3 bases deleted (CAT; older notation c.568_570delCAT).
Protein change: p.His190del; deletes histidine 190.
Molecular consequence: inframe deletion.
Genome position (GRCh38, 1-based): chr8:118,110,477-118,110,479, ATG deleted on the plus strand (CAT on the coding strand, the reverse complement: EXT1 is on the minus strand); deleting any 3 consecutive bases within chr8:118,110,477-118,110,481 gives the same sequence; the c. name uses the placement nearest the transcript's 3' end. VCF-style (leftmost placement, unchanged base first): chr8-118110476-AATG-A. GRCh37 (hg19) VCF-style: chr8-119122715-AATG-A.
Other names: short protein forms H190del.
Identifiers: ClinVar variation 950898 (VCV000950898.14), dbSNP rs1817877188, ClinGen allele CA1139660749.